The following is an entry in ClinVar:

ClinVar aggregate classification (germline): Uncertain significance (1 of 4 stars; one submission).

Submission:

Labcorp Genetics (formerly Invitae), Labcorp
Classification: Uncertain significance. Last evaluated: 2025-12-16. Review status: criteria provided, single submitter. Criteria: Invitae Variant Classification Sherloc (09022015). Collection method: clinical testing. Allele origin: germline.
Comment: This sequence change replaces glycine, which is neutral and non-polar, with arginine, which is basic and polar, at codon 779 of the OCA2 protein (p.Gly779Arg). This variant is not present in population databases (gnomAD no frequency). This missense change has been observed in individual(s) with clinical features of oculocutaneous albinism (internal data). In at least one individual the data is consistent with being in trans (on the opposite chromosome) from a pathogenic variant. ClinVar contains an entry for this variant (Variation ID: 1461562). Invitae Evidence Modeling of protein sequence and biophysical properties (such as structural, functional, and spatial information, amino acid conservation, physicochemical variation, residue mobility, and thermodynamic stability) indicates that this missense variant is expected to disrupt OCA2 protein function with a positive predictive value of 80%. In summary, the available evidence is currently insufficient to determine the role of this variant in disease. Therefore, it has been classified as a Variant of Uncertain Significance.

NM_000275.3(OCA2):c.2335G>A (p.Gly779Arg)

Gene: OCA2 (OCA2 melanosomal transmembrane protein; minus strand). Cytogenetic location: 15q13.1.
Variant type: single nucleotide variant.
Coding change: c.2335G>A on transcript NM_000275.3 (MANE Select); coding-DNA position 2335, G replaced by A.
Protein change: p.Gly779Arg; replaces glycine 779 with arginine.
Molecular consequence: missense variant.
Genome position (GRCh38, 1-based): chr15:27,851,385, C>T on the plus strand (G>A on the coding strand, the complement: OCA2 is on the minus strand). VCF-style: chr15-27851385-C-T. GRCh37 (hg19) VCF-style: chr15-28096531-C-T.
Other names: c.2263G>A, p.Gly755Arg (NM_001300984.2); short protein forms G779R, G755R.
Identifiers: ClinVar variation 1461562 (VCV001461562.4), dbSNP rs2151412205, ClinGen allele CA391359825.
Genomic context (GRCh38, chr15:27,851,385, plus strand): 5'-GGCTGAACCACAGTGTGGGCGTGCACCCCCACCCCCATGCAGTCAGCAGCCCCTTACCTC[C>T]CAGGCAAGCACCGAAGGCCAGGGCATACATGAGCGGCGGTGCGGGCAGGCCAACCTCAGG-3'
Protein context (NP_000266.2, residues 769-789): MYALAFGACL[Gly779Arg]GNGTLIGASA